The following is an entry in ClinVar:

NM_000562.3(C8A):c.381G>A (p.Glu127=)

Gene: C8A (complement C8 alpha chain; plus strand). Cytogenetic location: 1p32.2.
Variant type: single nucleotide variant.
Coding change: c.381G>A on transcript NM_000562.3 (MANE Select); coding-DNA position 381, G replaced by A.
Protein change: p.Glu127=; no amino-acid change (glutamic acid 127 retained).
Molecular consequence: synonymous variant.
Genome position (GRCh38, 1-based): chr1:56,876,126, G>A. VCF-style: chr1-56876126-G-A. GRCh37 (hg19) VCF-style: chr1-57341799-G-A.
Other names: c.381G>A (NM_000562.2).
Identifiers: ClinVar variation 1657820 (VCV001657820.11), dbSNP rs199940145, ClinGen allele CA875018.
Genomic context (GRCh38, chr1:56,876,126, plus strand): 5'-CTGCCTGAAACGCCACCTTGTGTGTAATGGAGACCAGGACTGCCTTGATGGCTCTGATGA[G>A]GACGACTGTGAAGATGTCAGGGCCATTGACGAAGACTGCAGCCAGTATGAACCAATTCCA-3'
Protein context (NP_000553.1, residues 117-137): GDQDCLDGSD[Glu127=]DDCEDVRAID

ClinVar aggregate classification (germline): Likely benign. Review status: criteria provided, multiple submitters, no conflicts (2 of 4 stars). 3 submissions from 3 submitters: Likely benign (2). 1 of the submissions does not count toward it. Last evaluated 2025-10-14.

Conditions:
C8A-related disorder. Also called: C8A-related condition.

Allele frequency attached by ClinVar (database versions not stated): gnomAD exomes 0.00001 and 0.00006; gnomAD 0.00003 and 0.00004; TOPMed 0.00007; ExAC 0.00008.
gnomAD v4.1: 55 of 1,613,790 alleles (0.0034%); highest among the groups gnomAD compares: East Asian, 0.042%; no homozygotes.

Submissions (3):

Labcorp Genetics (formerly Invitae), Labcorp
Classification: Likely benign. Last evaluated: 2025-10-14. Review status: criteria provided, single submitter. Criteria: Invitae Variant Classification Sherloc (09022015). Collection method: clinical testing. Allele origin: germline.

Blueprint Genetics
Classification: Likely benign. Last evaluated: 2024-09-13. Review status: criteria provided, single submitter. Criteria: ACMG Guidelines, 2015. Collection method: clinical testing. Allele origin: germline.

PreventionGenetics, part of Exact Sciences
Classification: Likely benign for C8A-related condition. Last evaluated: 2019-02-26. Review status: no assertion criteria provided. Collection method: clinical testing. Allele origin: germline. Not counted in ClinVar's aggregate classification.
Comment: This variant is classified as likely benign based on ACMG/AMP sequence variant interpretation guidelines (Richards et al. 2015 PMID: 25741868, with internal and published modifications).